The following is an entry in ClinVar:

NM_015909.4(NBAS):c.3758C>T (p.Pro1253Leu)

Gene: NBAS (NBAS subunit of NRZ tethering complex; minus strand). Cytogenetic location: 2p24.3.
Variant type: single nucleotide variant.
Coding change: c.3758C>T on transcript NM_015909.4 (MANE Select); coding-DNA position 3758, C replaced by T.
Protein change: p.Pro1253Leu; replaces proline 1253 with leucine.
Molecular consequence: missense variant. On other transcripts: non-coding transcript variant (1).
Genome position (GRCh38, 1-based): chr2:15,366,639, G>A on the plus strand (C>T on the coding strand, the complement: NBAS is on the minus strand). VCF-style: chr2-15366639-G-A. GRCh37 (hg19) VCF-style: chr2-15506763-G-A.
Other names: short protein forms P1253L.
Identifiers: ClinVar variation 2100158 (VCV002100158.4), dbSNP rs2528671458, ClinGen allele CA345894404.

ClinVar aggregate classification (germline): Uncertain significance (1 of 4 stars; one submission).

Submission:

Labcorp Genetics (formerly Invitae), Labcorp
Classification: Uncertain significance. Last evaluated: 2022-02-20. Review status: criteria provided, single submitter. Criteria: Invitae Variant Classification Sherloc (09022015). Collection method: clinical testing. Allele origin: germline.
Comment: In summary, the available evidence is currently insufficient to determine the role of this variant in disease. Therefore, it has been classified as a Variant of Uncertain Significance. Algorithms developed to predict the effect of missense changes on protein structure and function (SIFT, PolyPhen-2, Align-GVGD) all suggest that this variant is likely to be tolerated. This variant has not been reported in the literature in individuals affected with NBAS-related conditions. This variant is not present in population databases (gnomAD no frequency). This sequence change replaces proline, which is neutral and non-polar, with leucine, which is neutral and non-polar, at codon 1253 of the NBAS protein (p.Pro1253Leu).